The following is an entry in ClinVar:

ClinVar aggregate classification (germline): Benign/Likely benign. Review status: criteria provided, multiple submitters, no conflicts (2 of 4 stars). 3 submissions from 3 submitters: Benign (1); Likely benign (2). Last evaluated 2025-12-13.

Conditions:
Hereditary cancer-predisposing syndrome. Also called: Neoplastic Syndromes, Hereditary; Tumor predisposition; Hereditary Cancer Syndrome; Hereditary neoplastic syndrome. Identifiers: Orphanet 140162, MedGen C0027672, MeSH D009386, MONDO:0015356.
Prostate cancer, hereditary, 9 (HPC9). Identifiers: Orphanet 1331, MedGen C1970250, MONDO:0012597, OMIM 610997.

Allele frequency attached by ClinVar (database versions not stated): ExAC 0.00001; gnomAD exomes 0.00001.
gnomAD v4.1: 2 of 1,613,894 alleles (0.00012%); highest among the groups gnomAD compares: Admixed American, 0.0033%; no homozygotes.

Submissions (3):

Labcorp Genetics (formerly Invitae), Labcorp
Classification: Likely benign. Last evaluated: 2025-12-13. Review status: criteria provided, single submitter. Criteria: Invitae Variant Classification Sherloc (09022015). Collection method: clinical testing. Allele origin: germline.

Myriad Genetics, Inc.
Classification: Benign for Prostate cancer, hereditary, 9. Last evaluated: 2024-10-29. Review status: criteria provided, single submitter. Criteria: Myriad Autosomal Dominant, Autosomal Recessive and X-Linked Classification Criteria (2023). Collection method: clinical testing. Allele origin: unknown.
Comment: This variant is considered benign. This variant is a silent/synonymous amino acid change and it is not expected to impact splicing.

Ambry Genetics
Classification: Likely benign for Hereditary cancer-predisposing syndrome. Last evaluated: 2018-09-27. Review status: criteria provided, single submitter. Criteria: Ambry Variant Classification Scheme 2023. Collection method: clinical testing. Allele origin: germline.

NM_006361.6(HOXB13):c.216G>A (p.Gly72=)

Gene: HOXB13 (homeobox B13; minus strand). Cytogenetic location: 17q21.32.
Variant type: single nucleotide variant.
Coding change: c.216G>A on transcript NM_006361.6 (MANE Select); coding-DNA position 216, G replaced by A.
Protein change: p.Gly72=; no amino-acid change (glycine 72 retained).
Molecular consequence: synonymous variant.
Genome position (GRCh38, 1-based): chr17:48,728,378, C>T on the plus strand (G>A on the coding strand, the complement: HOXB13 is on the minus strand). VCF-style: chr17-48728378-C-T. GRCh37 (hg19) VCF-style: chr17-46805740-C-T.
Identifiers: ClinVar variation 820818 (VCV000820818.14), dbSNP rs769145488, ClinGen allele CA8634039.
Genomic context (GRCh38, chr17:48,728,378, plus strand): 5'-CACTCGGCAGGAGTAGTACCCGCCTCCAAAGTAACCATAAGGCACGGGAGCTGGGGACGT[C>T]CCCTGGGGCACCCCAGGGCATGGGTGGCATTGCTTTGGCGGCTCCGCCGAGCCTGGCAGA-3'
Protein context (NP_006352.2, residues 62-82): QCHPCPGVPQ[Gly72=]TSPAPVPYGY